The following is an entry in ClinVar:

NM_005802.5(TOPORS):c.469G>A (p.Asp157Asn)

Gene: TOPORS (TOP1 binding arginine/serine rich protein, E3 ubiquitin ligase; minus strand). Cytogenetic location: 9p21.1.
Variant type: single nucleotide variant.
Coding change: c.469G>A on transcript NM_005802.5 (MANE Select); coding-DNA position 469, G replaced by A.
Protein change: p.Asp157Asn; replaces aspartic acid 157 with asparagine.
Molecular consequence: missense variant.
Genome position (GRCh38, 1-based): chr9:32,544,056, C>T on the plus strand (G>A on the coding strand, the complement: TOPORS is on the minus strand). VCF-style: chr9-32544056-C-T. GRCh37 (hg19) VCF-style: chr9-32544054-C-T.
Other names: c.274G>A, p.Asp92Asn (NM_001195622.2); short protein forms D157N, D92N.
Identifiers: ClinVar variation 2124962 (VCV002124962.4), dbSNP rs2489455017, ClinGen allele CA373172558.

ClinVar aggregate classification (germline): Uncertain significance (1 of 4 stars; one submission).

Allele frequency attached by ClinVar (database versions not stated): gnomAD exomes below 0.00001.
gnomAD v4.1: 4 of 1,614,188 alleles (0.00025%); highest among the groups gnomAD compares: Non-Finnish European, 0.00034%; no homozygotes.

Submission:

Labcorp Genetics (formerly Invitae), Labcorp
Classification: Uncertain significance. Last evaluated: 2022-02-12. Review status: criteria provided, single submitter. Criteria: Invitae Variant Classification Sherloc (09022015). Collection method: clinical testing. Allele origin: germline.
Comment: This variant is not present in population databases (gnomAD no frequency). In summary, the available evidence is currently insufficient to determine the role of this variant in disease. Therefore, it has been classified as a Variant of Uncertain Significance. Algorithms developed to predict the effect of missense changes on protein structure and function are either unavailable or do not agree on the potential impact of this missense change (SIFT: "Deleterious"; PolyPhen-2: "Probably Damaging"; Align-GVGD: "Class C0"). This variant has not been reported in the literature in individuals affected with TOPORS-related conditions. This sequence change replaces aspartic acid, which is acidic and polar, with asparagine, which is neutral and polar, at codon 157 of the TOPORS protein (p.Asp157Asn).